The following is an entry in ClinVar:

NM_144670.6(A2ML1):c.1044C>G (p.Ser348Arg)

Gene: A2ML1 (alpha-2-macroglobulin like 1; plus strand). Cytogenetic location: 12p13.31.
Variant type: single nucleotide variant.
Coding change: c.1044C>G on transcript NM_144670.6 (MANE Select); coding-DNA position 1044, C replaced by G.
Protein change: p.Ser348Arg; replaces serine 348 with arginine.
Molecular consequence: missense variant.
Genome position (GRCh38, 1-based): chr12:8,839,186, C>G. VCF-style: chr12-8839186-C-G. GRCh37 (hg19) VCF-style: chr12-8991782-C-G.
Other names: short protein forms S348R.
Identifiers: ClinVar variation 1019847 (VCV001019847.11), dbSNP rs1437069980, ClinGen allele CA383823700.

ClinVar aggregate classification (germline): Uncertain significance. Review status: criteria provided, multiple submitters, no conflicts (2 of 4 stars). 3 submissions from 3 submitters: Uncertain significance (3). Last evaluated 2022-05-26.

Conditions:
Noonan syndrome (NS). Also called: Noonan's syndrome. Identifiers: Orphanet 648, MedGen C0028326, MeSH D009634, MONDO:0018997. Disease mechanism: gain of function.

gnomAD v4.1: 1 of 1,613,622 alleles (0.000062%); highest among the groups gnomAD compares: Non-Finnish European, 0.000085%; no homozygotes.

Submissions (3):

Department of Pathology and Laboratory Medicine, Sinai Health System
Classification: Uncertain significance for Noonan syndrome. Last evaluated: 2022-05-26. Review status: criteria provided, single submitter. Criteria: ACMG Guidelines, 2015. Collection method: research. Allele origin: germline.

Ambry Genetics
Classification: Uncertain significance. Last evaluated: 2022-04-23. Review status: criteria provided, single submitter. Criteria: Ambry Variant Classification Scheme 2023. Collection method: clinical testing. Allele origin: germline.
Comment: The p.S348R variant (also known as c.1044C>G), located in coding exon 10 of the A2ML1 gene, results from a C to G substitution at nucleotide position 1044. The serine at codon 348 is replaced by arginine, an amino acid with dissimilar properties. This amino acid position is conserved. In addition, this alteration is predicted to be tolerated by in silico analysis. Since supporting evidence is limited at this time, the clinical significance of this alteration remains unclear.

Labcorp Genetics (formerly Invitae), Labcorp
Classification: Uncertain significance. Last evaluated: 2020-07-15. Review status: criteria provided, single submitter. Criteria: Invitae Variant Classification Sherloc (09022015). Collection method: clinical testing. Allele origin: germline.
Comment: In summary, the available evidence is currently insufficient to determine the role of this variant in disease. Therefore, it has been classified as a Variant of Uncertain Significance. Algorithms developed to predict the effect of missense changes on protein structure and function (SIFT, PolyPhen-2, Align-GVGD) all suggest that this variant is likely to be tolerated, but these predictions have not been confirmed by published functional studies and their clinical significance is uncertain. This variant has not been reported in the literature in individuals with A2ML1-related conditions. This variant is not present in population databases (ExAC no frequency). This sequence change replaces serine with arginine at codon 348 of the A2ML1 protein (p.Ser348Arg). The serine residue is weakly conserved and there is a moderate physicochemical difference between serine and arginine.